The following is an entry in ClinVar:

ClinVar aggregate classification (germline): Uncertain significance (1 of 4 stars; one submission).

Conditions:
Meckel syndrome, type 11 (MKS11). Identifiers: Orphanet 564, MedGen C3809352, MONDO:0014164, OMIM 615397.
Joubert syndrome 20 (JBTS20). Identifiers: Orphanet 475, MedGen C3554235, MONDO:0013994, OMIM 614970.

Submission:

Labcorp Genetics (formerly Invitae), Labcorp
Classification: Uncertain significance for Joubert syndrome 20; Meckel syndrome, type 11. Last evaluated: 2022-10-17. Review status: criteria provided, single submitter. Criteria: Invitae Variant Classification Sherloc (09022015). Collection method: clinical testing. Allele origin: germline.
Comment: In summary, the available evidence is currently insufficient to determine the role of this variant in disease. Therefore, it has been classified as a Variant of Uncertain Significance. Algorithms developed to predict the effect of sequence changes on RNA splicing suggest that this variant may create or strengthen a splice site. Algorithms developed to predict the effect of missense changes on protein structure and function are either unavailable or do not agree on the potential impact of this missense change (SIFT: "Tolerated"; PolyPhen-2: "Not Available"; Align-GVGD: "Class C0"). This variant has not been reported in the literature in individuals affected with TMEM231-related conditions. This variant is not present in population databases (gnomAD no frequency). This sequence change replaces arginine, which is basic and polar, with glutamine, which is neutral and polar, at codon 105 of the TMEM231 protein (p.Arg105Gln).

NM_001077418.3(TMEM231):c.155G>A (p.Arg52Gln)

Genes: TMEM231 (transmembrane protein 231; minus strand), LOC130059440 (ATAC-STARR-seq lymphoblastoid silent region 7724; plus strand). Cytogenetic location: 16q23.1.
Variant type: single nucleotide variant.
Coding change: c.155G>A on transcript NM_001077418.3 (MANE Select); coding-DNA position 155, G replaced by A.
Protein change: p.Arg52Gln; replaces arginine 52 with glutamine.
Molecular consequence: missense variant. On other transcripts: non-coding transcript variant (1).
Genome position (GRCh38, 1-based): chr16:75,555,958, C>T on the plus strand (G>A on the coding strand, the complement: TMEM231 is on the minus strand). VCF-style: chr16-75555958-C-T. GRCh37 (hg19) VCF-style: chr16-75589856-C-T.
Other names: c.314G>A, p.Arg105Gln (NM_001077416.2); short protein forms R52Q, R105Q.
Identifiers: ClinVar variation 2180546 (VCV002180546.2), dbSNP rs1438919775, ClinGen allele CA396809462.